The following is an entry in ClinVar:

NM_000071.3(CBS):c.1606G>A (p.Ala536Thr)

Gene: CBS (cystathionine beta-synthase; minus strand). Cytogenetic location: 21q22.3.
Variant type: single nucleotide variant.
Coding change: c.1606G>A on transcript NM_000071.3 (MANE Select); coding-DNA position 1606, G replaced by A.
Protein change: p.Ala536Thr; replaces alanine 536 with threonine.
Molecular consequence: missense variant.
Genome position (GRCh38, 1-based): chr21:43,053,930, C>T on the plus strand (G>A on the coding strand, the complement: CBS is on the minus strand). VCF-style: chr21-43053930-C-T. GRCh37 (hg19) VCF-style: chr21-44474040-C-T.
Other names: c.1606G>A, p.Ala536Thr (NM_001178008.3, NM_001178009.3, NM_001320298.2); c.1291G>A, p.Ala431Thr (NM_001321072.1); short protein forms A431T, A536T.
Identifiers: ClinVar variation 2531511 (VCV002531511.3), dbSNP rs747522167, ClinGen allele CA321684705.

ClinVar aggregate classification (germline): Uncertain significance (1 of 4 stars; one submission).

Conditions:
Familial thoracic aortic aneurysm and aortic dissection (TAAD). Also called: Thoracic aortic aneurysms and dissections. Identifiers: Orphanet 91387, MedGen C4707243, MONDO:0019625.

Allele frequency attached by ClinVar (database versions not stated): ExAC 0.00001.

Submission:

Ambry Genetics
Classification: Uncertain significance for Familial thoracic aortic aneurysm and aortic dissection. Last evaluated: 2024-09-17. Review status: criteria provided, single submitter. Criteria: Ambry Variant Classification Scheme 2023. Collection method: clinical testing. Allele origin: germline.
Comment: The p.A536T variant (also known as c.1606G>A), located in coding exon 15 of the CBS gene, results from a G to A substitution at nucleotide position 1606. The alanine at codon 536 is replaced by threonine, an amino acid with similar properties. This amino acid position is conserved. In addition, the in silico prediction for this alteration is inconclusive. Based on the available evidence, the clinical significance of this variant remains unclear.